The following is an entry in ClinVar:

ClinVar aggregate classification (germline): Conflicting classifications of pathogenicity. Review status: criteria provided, conflicting classifications (1 of 4 stars). 12 submissions from 6 submitters: Uncertain significance (1); Benign (8); Likely benign (3). Last evaluated 2026-08-01.

Conditions:
Geleophysic dysplasia. Identifiers: Orphanet 2623, MedGen C3489726, MONDO:0000127.
Familial thoracic aortic aneurysm and aortic dissection (TAAD). Also called: Thoracic aortic aneurysms and dissections. Identifiers: Orphanet 91387, MedGen C4707243, MONDO:0019625.
Stiff skin syndrome (SSKS). Identifiers: Orphanet 2833, MedGen C1861456, MONDO:0008492, OMIM 184900.
Ectopia lentis 1, isolated, autosomal dominant (ECTOL1). Identifiers: Orphanet 1885, MedGen C3541518, MONDO:0007514, OMIM 129600.
Weill-Marchesani syndrome. Also called: WM Syndrome; Mesodermal dysmorphodystrophy congenital. Identifiers: Orphanet 3449, MedGen C0265313, MONDO:0018096.
Marfan syndrome (MFS). Also called: Marfan syndrome, classic; Marfan syndrome type 1; Marfan's syndrome; MARFAN SYNDROME, TYPE I; FBN1-Related Marfan Syndrome. Identifiers: Orphanet 284963, Orphanet 558, MedGen C0024796, MONDO:0007947, OMIM 154700.
Acromicric dysplasia (ACMICD). Also called: Acromicric skeletal dysplasia. Identifiers: Orphanet 969, MedGen C0265287, MONDO:0007055, OMIM 102370.

Allele frequency attached by ClinVar (database versions not stated): gnomAD 0.00001; TOPMed 0.00003; gnomAD exomes 0.00009 and 0.00011; ExAC 0.00013; 1000 Genomes Project 30x 0.00031; 1000 Genomes Project 0.00040.
gnomAD v4.1: 69 of 1,614,044 alleles (0.0043%); highest among the groups gnomAD compares: East Asian, 0.15%; no homozygotes.

Submissions (12):

CeGaT Center for Human Genetics Tuebingen
Classification: Likely benign. Last evaluated: 2026-08-01. Review status: criteria provided, single submitter. Criteria: CeGaT Center For Human Genetics Tuebingen Variant Classification Criteria Version 2. Collection method: clinical testing. Allele origin: germline. Affected: yes. Observed: 1 variant allele.
Comment: FBN1: BP4, BP7, BS1

Labcorp Genetics (formerly Invitae), Labcorp
Classification: Benign for Marfan syndrome; Familial thoracic aortic aneurysm and aortic dissection. Last evaluated: 2025-11-18. Review status: criteria provided, single submitter. Criteria: Invitae Variant Classification Sherloc (09022015). Collection method: clinical testing. Allele origin: germline.

All of Us Research Program, National Institutes of Health
Classification: Benign for Marfan syndrome. Last evaluated: 2023-12-13. Review status: criteria provided, single submitter. Criteria: ACMG Guidelines, 2015. Collection method: clinical testing. Allele origin: germline. Inheritance: Autosomal dominant inheritance. Observed: 3 variant alleles, 3 heterozygotes.
Comment: This study involves interpretation of variants in research participants for the purpose of population health screening. Participant phenotype was not available at the time of variant classification. Additional details can be found in publication PMID: 35346344, PMCID: PMC8962531

Ambry Genetics
Classification: Likely benign for Familial thoracic aortic aneurysm and aortic dissection. Last evaluated: 2022-11-04. Review status: criteria provided, single submitter. Criteria: Ambry Variant Classification Scheme 2023. Collection method: clinical testing. Allele origin: germline.

Color Diagnostics, LLC DBA Color Health
Classification: Benign for Familial thoracic aortic aneurysm and aortic dissection. Last evaluated: 2018-10-30. Review status: criteria provided, single submitter. Criteria: ACMG Guidelines, 2015. Collection method: clinical testing. Allele origin: germline.

Illumina Laboratory Services, Illumina
Classification: Benign for Geleophysic dysplasia. Last evaluated: 2018-01-12. Review status: criteria provided, single submitter. Criteria: ICSL Variant Classification Criteria 13 December 2019. Collection method: clinical testing. Allele origin: germline.
Comment: This variant was observed in the ICSL laboratory as part of a predisposition screen in an ostensibly healthy population. It had not been previously curated by ICSL or reported in the Human Gene Mutation Database (HGMD: prior to June 1st, 2018), and was therefore a candidate for classification through an automated scoring system. Utilizing variant allele frequency, disease prevalence and penetrance estimates, and inheritance mode, an automated score was calculated to assess if this variant is too frequent to cause the disease. Based on the score and internal cut-off values, a variant classified as benign is not then subjected to further curation. The score for this variant resulted in a classification of benign for this disease.

Illumina Laboratory Services, Illumina
Classification: Benign for Stiff skin syndrome. Last evaluated: 2018-01-12. Review status: criteria provided, single submitter. Criteria: ICSL Variant Classification Criteria 13 December 2019. Collection method: clinical testing. Allele origin: germline.
Comment: the same text as in the submission from Illumina Laboratory Services, Illumina above.

Illumina Laboratory Services, Illumina
Classification: Likely benign for Marfan syndrome. Last evaluated: 2018-01-12. Review status: criteria provided, single submitter. Criteria: ICSL Variant Classification Criteria 13 December 2019. Collection method: clinical testing. Allele origin: germline.
Comment: This variant was observed in the ICSL laboratory as part of a predisposition screen in an ostensibly healthy population. It had not been previously curated by ICSL or reported in the Human Gene Mutation Database (HGMD: prior to June 1st, 2018), and was therefore a candidate for classification through an automated scoring system. Utilizing variant allele frequency, disease prevalence and penetrance estimates, and inheritance mode, an automated score was calculated to assess if this variant is too frequent to cause the disease. Based on the score and internal cut-off values, a variant classified as likely benign is not then subjected to further curation. The score for this variant resulted in a classification of likely benign for this disease.

Illumina Laboratory Services, Illumina
Classification: Benign for Acromicric dysplasia. Last evaluated: 2018-01-12. Review status: criteria provided, single submitter. Criteria: ICSL Variant Classification Criteria 13 December 2019. Collection method: clinical testing. Allele origin: germline.
Comment: the same text as in the submission from Illumina Laboratory Services, Illumina above.

Illumina Laboratory Services, Illumina
Classification: Benign for Weill-Marchesani syndrome. Last evaluated: 2018-01-12. Review status: criteria provided, single submitter. Criteria: ICSL Variant Classification Criteria 13 December 2019. Collection method: clinical testing. Allele origin: germline.
Comment: the same text as in the submission from Illumina Laboratory Services, Illumina above.

Illumina Laboratory Services, Illumina
Classification: Uncertain significance for Familial thoracic aortic aneurysm and aortic dissection. Last evaluated: 2018-01-12. Review status: criteria provided, single submitter. Criteria: ICSL Variant Classification Criteria 13 December 2019. Collection method: clinical testing. Allele origin: germline.

Illumina Laboratory Services, Illumina
Classification: Benign for Ectopia lentis 1, isolated, autosomal dominant. Last evaluated: 2018-01-12. Review status: criteria provided, single submitter. Criteria: ICSL Variant Classification Criteria 13 December 2019. Collection method: clinical testing. Allele origin: germline.
Comment: the same text as in the submission from Illumina Laboratory Services, Illumina above.

NM_000138.5(FBN1):c.396T>C (p.Asp132=)

Gene: FBN1 (fibrillin 1; minus strand). Cytogenetic location: 15q21.1.
Variant type: single nucleotide variant.
Coding change: c.396T>C on transcript NM_000138.5 (MANE Select); coding-DNA position 396, T replaced by C.
Protein change: p.Asp132=; no amino-acid change (aspartic acid 132 retained).
Molecular consequence: synonymous variant.
Genome position (GRCh38, 1-based): chr15:48,600,185, A>G on the plus strand (T>C on the coding strand, the complement: FBN1 is on the minus strand). VCF-style: chr15-48600185-A-G. GRCh37 (hg19) VCF-style: chr15-48892382-A-G.
Identifiers: ClinVar variation 316392 (VCV000316392.22), dbSNP rs147481356, ClinGen allele CA051853.